The following is an entry in ClinVar:

ClinVar aggregate classification (germline): Uncertain significance (1 of 4 stars; one submission).

Submission:

GeneDx
Classification: Uncertain significance. Last evaluated: 2025-07-16. Review status: criteria provided, single submitter. Criteria: GeneDx Variant Classification Process June 2021. Collection method: clinical testing. Allele origin: germline. Affected: yes.
Comment: Not observed at significant frequency in large population cohorts (gnomAD); In silico analysis supports that this missense variant has a deleterious effect on protein structure/function; Has not been previously published as pathogenic or benign to our knowledge

NM_005327.7(HADH):c.94G>T (p.Val32Phe)

Gene: HADH (hydroxyacyl-CoA dehydrogenase; plus strand). Cytogenetic location: 4q25.
Variant type: single nucleotide variant.
Coding change: c.94G>T on transcript NM_005327.7 (MANE Select); coding-DNA position 94, G replaced by T.
Protein change: p.Val32Phe; replaces valine 32 with phenylalanine.
Molecular consequence: missense variant.
Genome position (GRCh38, 1-based): chr4:107,990,026, G>T. VCF-style: chr4-107990026-G-T. GRCh37 (hg19) VCF-style: chr4-108911182-G-T.
Other names: c.94G>T, p.Val32Phe (NM_001184705.4); short protein forms V32F.
Identifiers: ClinVar variation 4686434 (VCV004686434.1).
Genomic context (GRCh38, chr4:107,990,026, plus strand): 5'-GTGTCCTCCTCGTCCACCGCCTCGGCCTCGGCCAAGAAGATAATCGTCAAGCACGTGACG[G>T]TCATCGGCGGCGGGCTGATGGGCGCCGGCATTGCCCAGGTGAGCGGCCCTCCCTGCAGCG-3'
Protein context (NP_005318.6, residues 22-42): AKKIIVKHVT[Val32Phe]IGGGLMGAGI